The following is an entry in ClinVar:

ClinVar aggregate classification (germline): Uncertain significance. Review status: criteria provided, multiple submitters, no conflicts (2 of 4 stars). 2 submissions from 2 submitters: Uncertain significance (2). Last evaluated 2025-11-26.

Conditions:
Inborn genetic diseases. Identifiers: MedGen C0950123, MeSH D030342.

gnomAD v4.1: 21 of 1,579,916 alleles (0.0013%); highest among the groups gnomAD compares: Admixed American, 0.0037%; 1 homozygote.

Submissions (2):

Ambry Genetics
Classification: Uncertain significance for Inborn genetic diseases. Last evaluated: 2025-11-26. Review status: criteria provided, single submitter. Criteria: Ambry Variant Classification Scheme 2023. Collection method: clinical testing. Allele origin: germline.

Labcorp Genetics (formerly Invitae), Labcorp
Classification: Uncertain significance. Last evaluated: 2022-08-04. Review status: criteria provided, single submitter. Criteria: Invitae Variant Classification Sherloc (09022015). Collection method: clinical testing. Allele origin: germline.
Comment: This sequence change replaces glycine, which is neutral and non-polar, with alanine, which is neutral and non-polar, at codon 3239 of the SZT2 protein (p.Gly3239Ala). This variant is present in population databases (no rsID available, gnomAD 0.004%). This variant has not been reported in the literature in individuals affected with SZT2-related conditions. Algorithms developed to predict the effect of missense changes on protein structure and function are either unavailable or do not agree on the potential impact of this missense change (SIFT: "Tolerated"; PolyPhen-2: "Probably Damaging"; Align-GVGD: "Class C0"). In summary, the available evidence is currently insufficient to determine the role of this variant in disease. Therefore, it has been classified as a Variant of Uncertain Significance.

NM_001365999.1(SZT2):c.9887G>C (p.Gly3296Ala)

Genes: SZT2 (SZT2 subunit of KICSTOR complex; plus strand), SZT2-AS1 (SZT2 antisense RNA 1; minus strand). Cytogenetic location: 1p34.2.
Variant type: single nucleotide variant.
Coding change: c.9887G>C on transcript NM_001365999.1 (MANE Select); coding-DNA position 9887, G replaced by C.
Protein change: p.Gly3296Ala; replaces glycine 3296 with alanine.
Molecular consequence: missense variant. On other transcripts: non-coding transcript variant (1).
Genome position (GRCh38, 1-based): chr1:43,448,402, G>C. VCF-style: chr1-43448402-G-C. GRCh37 (hg19) VCF-style: chr1-43914073-G-C.
Other names: c.9716G>C, p.Gly3239Ala (NM_015284.4); c.1328G>C, p.Gly443Ala (NM_024547.1); c.9716G>C (NM_015284.3); short protein forms G443A, G3239A, G3296A.
Identifiers: ClinVar variation 2157996 (VCV002157996.2), dbSNP rs368272173, ClinGen allele CA21653434.
Genomic context (GRCh38, chr1:43,448,402, plus strand): 5'-ACACCCTTTGGAAGCGCCTCTTCTTGCTGGAGCCACCGGGGCCTGATCGACTGCGGCTAG[G>C]GGGGCGCCTGGCCCTGGCAGAGCTGGAGGAACTCCTAGAAGCAGTCCATGCCAAATCCAT-3'
Protein context (NP_001352928.1, residues 3286-3306): EPPGPDRLRL[Gly3296Ala]GRLALAELEE